The following is an entry in ClinVar:

ClinVar aggregate classification (germline): Pathogenic. Review status: criteria provided, multiple submitters, no conflicts (2 of 4 stars). 2 submissions from 2 submitters: Pathogenic (2). Last evaluated 2024-08-16.

Conditions:
Long QT syndrome (LQTS). Identifiers: MedGen C0023976, MeSH D008133, MONDO:0002442. Disease mechanism: loss of function. Inheritance: Various modes of inheritance.

Submissions (2):

Labcorp Genetics (formerly Invitae), Labcorp
Classification: Pathogenic for Long QT syndrome. Last evaluated: 2024-08-16. Review status: criteria provided, single submitter. Criteria: Invitae Variant Classification Sherloc (09022015). Collection method: clinical testing. Allele origin: germline.
Comment: This sequence change affects an acceptor splice site in intron 10 of the KCNQ1 gene. It is expected to disrupt RNA splicing. Variants that disrupt the donor or acceptor splice site typically lead to a loss of protein function (PMID: 16199547), and loss-of-function variants in KCNQ1 are known to be pathogenic (PMID: 9323054, 19862833). This variant is not present in population databases (gnomAD no frequency). Disruption of this splice site has been observed in individuals with clinical features of long QT syndrome (PMID: 17905336; Invitae). ClinVar contains an entry for this variant (Variation ID: 1066272). Algorithms developed to predict the effect of sequence changes on RNA splicing suggest that this variant may disrupt the consensus splice site. For these reasons, this variant has been classified as Pathogenic.

GeneDx
Classification: Pathogenic. Last evaluated: 2024-06-04. Review status: criteria provided, single submitter. Criteria: GeneDx Variant Classification Process June 2021. Collection method: clinical testing. Allele origin: germline. Affected: yes.
Comment: Has not been previously published as pathogenic or benign to our knowledge; Canonical splice site variant predicted to result in a null allele in a gene for which loss of function is a known mechanism of disease; Not observed at significant frequency in large population cohorts (gnomAD); This variant is associated with the following publications: (PMID: 17905336)

Literature cited by the submitters: PubMed 16199547 (cited by Labcorp Genetics (formerly Invitae), Labcorp); PubMed 9323054 (cited by Labcorp Genetics (formerly Invitae), Labcorp); PubMed 19862833 (cited by Labcorp Genetics (formerly Invitae), Labcorp); PubMed 17905336 (cited by Labcorp Genetics (formerly Invitae), Labcorp).

NM_000218.3(KCNQ1):c.1394-1G>C

Genes: KCNQ1 (potassium voltage-gated channel subfamily Q member 1; plus strand), KCNQ1OT1 (KCNQ1 opposite strand/antisense transcript 1; minus strand). Cytogenetic location: 11p15.5.
Variant type: single nucleotide variant.
Coding change: c.1394-1G>C on transcript NM_000218.3 (MANE Select); the canonical splice acceptor site of the intron before coding-DNA position 1394, G replaced by C.
Molecular consequence: splice acceptor variant.
Genome position (GRCh38, 1-based): chr11:2,661,960, G>C. VCF-style: chr11-2661960-G-C. GRCh37 (hg19) VCF-style: chr11-2683190-G-C.
Other names: c.1124-1G>C (NM_001406837.1); c.1298-1G>C (NM_001406836.1); c.854-1G>C (NM_001406838.1); c.1013-1G>C (NM_181798.2).
Identifiers: ClinVar variation 1066272 (VCV001066272.11), dbSNP rs775537394, ClinGen allele CA379479305.